The following is an entry in ClinVar:

ClinVar aggregate classification (germline): Uncertain significance (1 of 4 stars; one submission).

Allele frequency attached by ClinVar (database versions not stated): gnomAD 0.00001; gnomAD exomes 0.00002 and 0.00004; ExAC 0.00003.
gnomAD v4.1: 29 of 1,613,928 alleles (0.0018%); highest among the groups gnomAD compares: South Asian, 0.022%; no homozygotes.

Submission:

GeneDx
Classification: Uncertain significance. Last evaluated: 2025-11-02. Review status: criteria provided, single submitter. Criteria: GeneDx Variant Classification Process June 2021. Collection method: clinical testing. Allele origin: germline. Affected: yes.
Comment: Not observed at significant frequency in large population cohorts (gnomAD); In silico analysis supports that this missense variant has a deleterious effect on protein structure/function; Has not been previously published as pathogenic or benign to our knowledge

NM_001985.3(ETFB):c.241A>G (p.Met81Val)

Gene: ETFB (electron transfer flavoprotein subunit beta; minus strand). Cytogenetic location: 19q13.41.
Variant type: single nucleotide variant.
Coding change: c.241A>G on transcript NM_001985.3 (MANE Select); coding-DNA position 241, A replaced by G.
Protein change: p.Met81Val; replaces methionine 81 with valine.
Molecular consequence: missense variant.
Genome position (GRCh38, 1-based): chr19:51,353,266, T>C on the plus strand (A>G on the coding strand, the complement: ETFB is on the minus strand). VCF-style: chr19-51353266-T-C. GRCh37 (hg19) VCF-style: chr19-51856520-T-C.
Other names: c.514A>G, p.Met172Val (NM_001014763.1); short protein forms M172V, M81V.
Identifiers: ClinVar variation 1331124 (VCV001331124.3), dbSNP rs748963409, ClinGen allele CA9610813.